The following is an entry in ClinVar:

NM_015311.3(OBSL1):c.75T>G (p.Ser25Arg)

Gene: OBSL1 (obscurin like cytoskeletal adaptor 1; minus strand). Cytogenetic location: 2q35.
Variant type: single nucleotide variant.
Coding change: c.75T>G on transcript NM_015311.3 (MANE Select); coding-DNA position 75, T replaced by G.
Protein change: p.Ser25Arg; replaces serine 25 with arginine.
Molecular consequence: missense variant.
Genome position (GRCh38, 1-based): chr2:219,571,158, A>C on the plus strand (T>G on the coding strand, the complement: OBSL1 is on the minus strand). VCF-style: chr2-219571158-A-C. GRCh37 (hg19) VCF-style: chr2-220435880-A-C.
Other names: c.75T>G, p.Ser25Arg (NM_001173408.2, NM_001173431.2); short protein forms S25R.
Identifiers: ClinVar variation 193385 (VCV000193385.12), dbSNP rs376818200, ClinGen allele CA238903.

ClinVar aggregate classification (germline): Uncertain significance. Review status: criteria provided, multiple submitters, no conflicts (2 of 4 stars). 5 submissions from 5 submitters: Uncertain significance (5). Last evaluated 2026-05-05.

Conditions:
3M syndrome 2. Also called: 3-M Syndrome, OBSL1-Related; THREE M SYNDROME 2. Identifiers: Orphanet 2616, MedGen C2752041, MONDO:0013039, OMIM 612921.

Allele frequency attached by ClinVar (database versions not stated): ESP Exome Variant Server 0.00010; gnomAD 0.00055 and 0.00049; gnomAD exomes 0.00004 and 0.00005; TOPMed 0.00052; 1000 Genomes Project 30x 0.00016; ExAC 0.00017; 1000 Genomes Project 0.00020.
gnomAD v4.1: 147 of 1,488,346 alleles (0.0099%); highest among the groups gnomAD compares: African/African-American, 0.2%; 1 homozygote.

Submissions (5):

Women's Health and Genetics/Laboratory Corporation of America, LabCorp
Classification: Uncertain significance. Last evaluated: 2026-05-05. Review status: criteria provided, single submitter. Criteria: LabCorp Variant Classification Summary - May 2015. Collection method: clinical testing. Allele origin: germline.
Comment: Variant summary: OBSL1 c.75T>G (p.Ser25Arg) results in a non-conservative amino acid change in the encoded protein sequence. Algorithms developed to predict the effect of missense changes on protein structure and function are either unavailable or do not agree on the potential impact of this missense change. The variant allele was found at a frequency of 3.8e-05 in 131802 control chromosomes. The available data on variant occurrences in the general population are insufficient to allow any conclusion about variant significance. To our knowledge, no occurrence of c.75T>G in individuals affected with OBSL1-related conditions and no experimental evidence demonstrating its impact on protein function have been reported. ClinVar contains an entry for this variant (Variation ID: 193385). Based on the evidence outlined above, the variant was classified as uncertain significance.

Labcorp Genetics (formerly Invitae), Labcorp
Classification: Uncertain significance. Last evaluated: 2022-08-16. Review status: criteria provided, single submitter. Criteria: Invitae Variant Classification Sherloc (09022015). Collection method: clinical testing. Allele origin: germline.
Comment: This sequence change replaces serine, which is neutral and polar, with arginine, which is basic and polar, at codon 25 of the OBSL1 protein (p.Ser25Arg). This variant is present in population databases (rs376818200, gnomAD 0.2%). This variant has not been reported in the literature in individuals affected with OBSL1-related conditions. ClinVar contains an entry for this variant (Variation ID: 193385). Algorithms developed to predict the effect of missense changes on protein structure and function output the following: SIFT: "Tolerated"; PolyPhen-2: "Benign"; Align-GVGD: "Class C0". The arginine amino acid residue is found in multiple mammalian species, which suggests that this missense change does not adversely affect protein function. In summary, the available evidence is currently insufficient to determine the role of this variant in disease. Therefore, it has been classified as a Variant of Uncertain Significance.

GeneDx
Classification: Uncertain significance. Last evaluated: 2022-06-06. Review status: criteria provided, single submitter. Criteria: GeneDx Variant Classification Process June 2021. Collection method: clinical testing. Allele origin: germline. Affected: yes.
Comment: In silico analysis supports that this missense variant does not alter protein structure/function; Has not been previously published as pathogenic or benign to our knowledge

Fulgent Genetics
Classification: Uncertain significance for 3M syndrome 2. Last evaluated: 2021-08-26. Review status: criteria provided, single submitter. Criteria: ACMG Guidelines, 2015. Collection method: clinical testing. Allele origin: unknown.

Eurofins Ntd Llc (ga)
Classification: Uncertain significance. Last evaluated: 2015-02-05. Review status: criteria provided, single submitter. Criteria: EGL Classification Definitions 2015. Collection method: clinical testing. Allele origin: germline. Observed: 1 variant allele, 1 heterozygote.